The following is an entry in ClinVar:

NM_201384.3(PLEC):c.175-6C>T

Gene: PLEC (plectin; minus strand). Cytogenetic location: 8q24.3.
Variant type: single nucleotide variant.
Coding change: c.175-6C>T on transcript NM_201384.3 (MANE Select); 6 bases into the intron before coding-DNA position 175, C replaced by T.
Molecular consequence: intron variant.
Genome position (GRCh38, 1-based): chr8:143,938,246, G>A on the plus strand (C>T on the coding strand, the complement: PLEC is on the minus strand). VCF-style: chr8-143938246-G-A. GRCh37 (hg19) VCF-style: chr8-145012414-G-A.
Other names: c.256-6C>T (NM_000445.5); c.133-6C>T (NM_201378.4); c.109-6C>T (NM_201379.3); c.586-6C>T (NM_201380.4); c.79-6C>T (NM_201381.3); c.175-6C>T (NM_201382.4); c.187-6C>T (NM_201383.3).
Identifiers: ClinVar variation 385970 (VCV000385970.13), dbSNP rs377389860, ClinGen allele CA4928577.
Genomic context (GRCh38, chr8:143,938,246, plus strand): 5'-TGAGGTTGTGGCCATCGCGGAGGTCTTCATACAGGTCACTGATGTGCCTCTGGGCCTGTG[G>A]GGACAGCAGCGGCTGAGGTGGCCAGTCCCCCAGAGCCACCAATAGGCCCTGAGTGGCTGA-3'

ClinVar aggregate classification (germline): Benign. Review status: criteria provided, multiple submitters, no conflicts (2 of 4 stars). 3 submissions from 3 submitters: Benign (3). Last evaluated 2026-01-19.

Conditions:
Epidermolysis bullosa simplex with nail dystrophy (EBS5D). Identifiers: MedGen C4225309, MONDO:0014661, OMIM 616487.
Epidermolysis bullosa simplex 5B, with muscular dystrophy (EBS5B). Also called: EPIDERMOLYSIS BULLOSA SIMPLEX AND LIMB-GIRDLE MUSCULAR DYSTROPHY; Epidermolysis bullosa simplex with muscular dystrophy. Identifiers: Orphanet 257, MedGen C2931072, MONDO:0009181, OMIM 226670.
Epidermolysis bullosa simplex, Ogna type (EBS5A). Also called: Pidermolysis bullosa simplex 5A, Ogna type; EPIDERMOLYSIS BULLOSA SIMPLEX 5A, OGNA TYPE. Identifiers: Orphanet 79401, MedGen C0432317, MONDO:0007555, OMIM 131950.
Autosomal recessive limb-girdle muscular dystrophy type 2Q (LGMDR17). Also called: MUSCULAR DYSTROPHY, LIMB-GIRDLE, AUTOSOMAL RECESSIVE 17. Identifiers: Orphanet 254361, MedGen C3150989, MONDO:0013390, OMIM 613723.
Epidermolysis bullosa simplex 5C, with pyloric atresia (EBS5C). Also called: PLEC-Related Epidermolysis Bullosa with Pyloric Atresia; Epidermolysis bullosa simplex with pyloric atresia; PLEC1-Related Epidermolysis Bullosa with Pyloric Atresia. Identifiers: Orphanet 158684, MedGen C2677349, MONDO:0012807, OMIM 612138.

Allele frequency attached by ClinVar (database versions not stated): gnomAD exomes 0.00045 and 0.00129; ESP Exome Variant Server 0.00387; gnomAD 0.00493 and 0.00541; TOPMed 0.00574; ExAC 0.00233; 1000 Genomes Project 30x 0.00375; 1000 Genomes Project 0.00379.
gnomAD v4.1: 1,440 of 1,592,512 alleles (0.09%); highest among the groups gnomAD compares: African/African-American, 1.7%; 16 homozygotes.

Submissions (3):

Labcorp Genetics (formerly Invitae), Labcorp
Classification: Benign for Autosomal recessive limb-girdle muscular dystrophy type 2Q; Epidermolysis bullosa simplex, Ogna type; Epidermolysis bullosa simplex with nail dystrophy; Epidermolysis bullosa simplex 5C, with pyloric atresia; Epidermolysis bullosa simplex 5B, with muscular dystrophy. Last evaluated: 2026-01-19. Review status: criteria provided, single submitter. Criteria: Invitae Variant Classification Sherloc (09022015). Collection method: clinical testing. Allele origin: germline.

Athena Diagnostics
Classification: Benign. Last evaluated: 2024-08-29. Review status: criteria provided, single submitter. Criteria: Athena Diagnostics Criteria. Collection method: clinical testing. Allele origin: unknown.

GeneDx
Classification: Benign. Last evaluated: 2018-03-13. Review status: criteria provided, single submitter. Criteria: GeneDx Variant Classification (06012015). Collection method: clinical testing. Allele origin: germline. Affected: yes.
Comment: This variant is considered likely benign or benign based on one or more of the following criteria: it is a conservative change, it occurs at a poorly conserved position in the protein, it is predicted to be benign by multiple in silico algorithms, and/or has population frequency not consistent with disease.